The following is an entry in ClinVar:

ClinVar aggregate classification (germline): Uncertain significance (1 of 4 stars; one submission).

gnomAD v4.1: 1 of 1,598,250 alleles (0.000063%); no homozygotes.

Submission:

Labcorp Genetics (formerly Invitae), Labcorp
Classification: Uncertain significance. Last evaluated: 2025-02-24. Review status: criteria provided, single submitter. Criteria: Invitae Variant Classification Sherloc (09022015). Collection method: clinical testing. Allele origin: germline.
Comment: This sequence change replaces arginine, which is basic and polar, with glycine, which is neutral and non-polar, at codon 138 of the IFT27 protein (p.Arg138Gly). This variant is not present in population databases (gnomAD no frequency). This variant has not been reported in the literature in individuals affected with IFT27-related conditions. ClinVar contains an entry for this variant (Variation ID: 1462480). Invitae Evidence Modeling of protein sequence and biophysical properties (such as structural, functional, and spatial information, amino acid conservation, physicochemical variation, residue mobility, and thermodynamic stability) indicates that this missense variant is not expected to disrupt IFT27 protein function with a negative predictive value of 95%. In summary, the available evidence is currently insufficient to determine the role of this variant in disease. Therefore, it has been classified as a Variant of Uncertain Significance.

NM_001177701.3(IFT27):c.415C>G (p.Arg139Gly)

Genes: CACNG2-DT (CACNG2 divergent transcript; plus strand), IFT27 (intraflagellar transport 27; minus strand). Cytogenetic location: 22q12.3.
Variant type: single nucleotide variant.
Coding change: c.415C>G on transcript NM_001177701.3 (MANE Select); coding-DNA position 415, C replaced by G.
Protein change: p.Arg139Gly; replaces arginine 139 with glycine.
Molecular consequence: missense variant.
Genome position (GRCh38, 1-based): chr22:36,762,951, G>C on the plus strand (C>G on the coding strand, the complement: IFT27 is on the minus strand). VCF-style: chr22-36762951-G-C. GRCh37 (hg19) VCF-style: chr22-37158995-G-C.
Other names: c.415C>G, p.Arg139Gly (NM_001363003.2); c.412C>G, p.Arg138Gly (NM_006860.5); short protein forms R138G, R139G.
Identifiers: ClinVar variation 1462480 (VCV001462480.6), dbSNP rs112218090, ClinGen allele CA411381564.